The following is an entry in ClinVar:

NM_170754.4(TNS2):c.1126A>G (p.Thr376Ala)

Gene: TNS2 (tensin 2; plus strand). Cytogenetic location: 12q13.13.
Variant type: single nucleotide variant.
Coding change: c.1126A>G on transcript NM_170754.4 (MANE Select); coding-DNA position 1126, A replaced by G.
Protein change: p.Thr376Ala; replaces threonine 376 with alanine.
Molecular consequence: missense variant.
Genome position (GRCh38, 1-based): chr12:53,058,346, A>G. VCF-style: chr12-53058346-A-G. GRCh37 (hg19) VCF-style: chr12-53452130-A-G.
Other names: c.1126A>G, p.Thr376Ala (NM_001416202.1, NM_001416204.1); c.1057A>G, p.Thr353Ala (NM_001416203.1, NM_015319.3); c.754A>G, p.Thr252Ala (NM_198316.2); short protein forms T376A, T386A, T252A, T353A.
Identifiers: ClinVar variation 1492086 (VCV001492086.8), dbSNP rs73099910, ClinGen allele CA6592215.

ClinVar aggregate classification (germline): Uncertain significance. Review status: criteria provided, multiple submitters, no conflicts (2 of 4 stars). 3 submissions from 3 submitters: Uncertain significance (3). Last evaluated 2025-11-12.

Allele frequency attached by ClinVar (database versions not stated): gnomAD exomes 0.00032 and 0.00080; ExAC 0.00035; 1000 Genomes Project 0.00040; gnomAD 0.00053 and 0.00054; TOPMed 0.00053; 1000 Genomes Project 30x 0.00062; ESP Exome Variant Server 0.00069.
gnomAD v4.1: 1,251 of 1,614,158 alleles (0.078%); highest among the groups gnomAD compares: Non-Finnish European, 0.1%; 1 homozygote.

Submissions (3):

Labcorp Genetics (formerly Invitae), Labcorp
Classification: Uncertain significance. Last evaluated: 2025-11-12. Review status: criteria provided, single submitter. Criteria: Invitae Variant Classification Sherloc (09022015). Collection method: clinical testing. Allele origin: germline.
Comment: This sequence change replaces threonine, which is neutral and polar, with alanine, which is neutral and non-polar, at codon 386 of the TNS2 protein (p.Thr386Ala). This variant is present in population databases (rs73099910, gnomAD 0.05%), and has an allele count higher than expected for a pathogenic variant. This variant has not been reported in the literature in individuals affected with TNS2-related conditions. ClinVar contains an entry for this variant (Variation ID: 1492086). An algorithm developed to predict the effect of missense changes on protein structure and function (PolyPhen-2) suggests that this variant is likely to be tolerated. In summary, the available evidence is currently insufficient to determine the role of this variant in disease. Therefore, it has been classified as a Variant of Uncertain Significance.

Ambry Genetics
Classification: Uncertain significance. Last evaluated: 2024-03-18. Review status: criteria provided, single submitter. Criteria: Ambry Variant Classification Scheme 2023. Collection method: clinical testing. Allele origin: germline.

Breakthrough Genomics
Classification: Uncertain significance. Review status: criteria provided, single submitter. Criteria: ACMG Guidelines, 2015. Collection method: not provided. Allele origin: germline. Inheritance: Unknown mechanism. Affected: yes.